The following is an entry in ClinVar:

NM_000543.5(SMPD1):c.1354dup (p.Leu452fs)

Gene: SMPD1 (sphingomyelin phosphodiesterase 1; plus strand). Cytogenetic location: 11p15.4.
Variant type: Duplication.
Coding change: c.1354dup on transcript NM_000543.5 (MANE Select); coding-DNA position 1354, one base duplicated (C; older notation c.1354dupC).
Protein change: p.Leu452fs; shifts the reading frame from leucine 452.
Molecular consequence: frameshift variant. On other transcripts: non-coding transcript variant (2).
Genome position (GRCh38, 1-based): chr11:6,393,909, C duplicated; the last of 3 consecutive C bases (chr11:6,393,907-6,393,909); duplicating any one gives the same sequence. VCF-style (leftmost placement, unchanged base first): chr11-6393906-A-AC. GRCh37 (hg19) VCF-style: chr11-6415136-A-AC.
Other names: c.1351dup, p.Leu451fs (NM_001007593.3); c.1354dup, p.Leu452fs (NM_001318087.2); c.433dup, p.Leu145fs (NM_001318088.2); c.1222dup, p.Leu408fs (NM_001365135.2); short protein forms L451fs, L452fs, L145fs, L408fs.
Identifiers: ClinVar variation 2022006 (VCV002022006.4), dbSNP rs2493819725, ClinGen allele CA2580083952.

ClinVar aggregate classification (germline): Pathogenic (1 of 4 stars; one submission).

Conditions:
Niemann-Pick disease, type B. Also called: Chronic Visceral ASMD (Niemann-Pick Disease Type B; NPD-B). Identifiers: Orphanet 77293, MedGen C0268243, MONDO:0011871, OMIM 607616. Disease mechanism: loss of function.
Niemann-Pick disease, type A. Also called: Infantile Neurovisceral ASMD (Niemann-Pick Disease Type A; NPD-A); SPHINGOMYELIN LIPIDOSIS; SPHINGOMYELINASE DEFICIENCY. Identifiers: Orphanet 77292, MedGen C0268242, MONDO:0009756, OMIM 257200. Disease mechanism: loss of function.

Submission:

Labcorp Genetics (formerly Invitae), Labcorp
Classification: Pathogenic for Niemann-Pick disease, type B; Niemann-Pick disease, type A. Last evaluated: 2022-08-05. Review status: criteria provided, single submitter. Criteria: Invitae Variant Classification Sherloc (09022015). Collection method: clinical testing. Allele origin: germline.
Comment: This sequence change creates a premature translational stop signal (p.Leu452Profs*13) in the SMPD1 gene. It is expected to result in an absent or disrupted protein product. Loss-of-function variants in SMPD1 are known to be pathogenic (PMID: 12369017, 15221801). This variant is not present in population databases (gnomAD no frequency). This variant has not been reported in the literature in individuals affected with SMPD1-related conditions. For these reasons, this variant has been classified as Pathogenic.

Literature cited by the submitters: PubMed 12369017; PubMed 15221801.